The following is an entry in ClinVar:

ClinVar aggregate classification (germline): Uncertain significance (1 of 4 stars; one submission).

Submission:

Labcorp Genetics (formerly Invitae), Labcorp
Classification: Uncertain significance. Last evaluated: 2022-06-19. Review status: criteria provided, single submitter. Criteria: Invitae Variant Classification Sherloc (09022015). Collection method: clinical testing. Allele origin: germline.
Comment: In summary, the available evidence is currently insufficient to determine the role of this variant in disease. Therefore, it has been classified as a Variant of Uncertain Significance. Algorithms developed to predict the effect of missense changes on protein structure and function are either unavailable or do not agree on the potential impact of this missense change (SIFT: "Deleterious"; PolyPhen-2: "Possibly Damaging"; Align-GVGD: "Class C0"). This variant has not been reported in the literature in individuals affected with VPS13C-related conditions. This variant is not present in population databases (gnomAD no frequency). This sequence change replaces serine, which is neutral and polar, with cysteine, which is neutral and slightly polar, at codon 1049 of the VPS13C protein (p.Ser1049Cys).

NM_020821.3(VPS13C):c.3145A>T (p.Ser1049Cys)

Gene: VPS13C (vacuolar protein sorting 13 homolog C; minus strand). Cytogenetic location: 15q22.2.
Variant type: single nucleotide variant.
Coding change: c.3145A>T on transcript NM_020821.3 (MANE Select); coding-DNA position 3145, A replaced by T.
Protein change: p.Ser1049Cys; replaces serine 1049 with cysteine.
Molecular consequence: missense variant.
Genome position (GRCh38, 1-based): chr15:61,964,768, T>A on the plus strand (A>T on the coding strand, the complement: VPS13C is on the minus strand). VCF-style: chr15-61964768-T-A. GRCh37 (hg19) VCF-style: chr15-62256967-T-A.
Other names: c.3145A>T, p.Ser1049Cys (NM_001018088.3); c.3016A>T, p.Ser1006Cys (NM_017684.5, NM_018080.4); short protein forms S1006C, S1049C.
Identifiers: ClinVar variation 1963847 (VCV001963847.5), dbSNP rs1555430233, ClinGen allele CA392707486.